The following is an entry in ClinVar:

NM_001429.4(EP300):c.1481A>G (p.Gln494Arg)

Gene: EP300 (EP300 lysine acetyltransferase; plus strand). Cytogenetic location: 22q13.2.
Variant type: single nucleotide variant.
Coding change: c.1481A>G on transcript NM_001429.4 (MANE Select); coding-DNA position 1481, A replaced by G.
Protein change: p.Gln494Arg; replaces glutamine 494 with arginine.
Molecular consequence: missense variant.
Genome position (GRCh38, 1-based): chr22:41,131,586, A>G. VCF-style: chr22-41131586-A-G. GRCh37 (hg19) VCF-style: chr22-41527590-A-G.
Other names: c.1481A>G, p.Gln494Arg (NM_001362843.2); short protein forms Q494R.
Identifiers: ClinVar variation 4618567 (VCV004618567.1).
Genomic context (GRCh38, chr22:41,131,586, plus strand): 5'-CCTATCAAGTAAATCAGATGCCGACACAACCCCAGGTGCAAGCAAAGAACCAGCAGAATC[A>G]GCAGCCTGGGCAGTCTCCCCAAGGCATGCGGCCCATGAGCAACATGAGTAAGTTTGTGTC-3'
Protein context (NP_001420.2, residues 484-504): PQVQAKNQQN[Gln494Arg]QPGQSPQGMR

ClinVar aggregate classification (germline): Uncertain significance (1 of 4 stars; one submission).

Conditions:
Inborn genetic diseases. Identifiers: MedGen C0950123, MeSH D030342.

gnomAD v4.1: 11 of 1,614,186 alleles (0.00068%); highest among the groups gnomAD compares: South Asian, 0.0011%; no homozygotes.

Submission:

Ambry Genetics
Classification: Uncertain significance for Inborn genetic diseases. Last evaluated: 2025-10-29. Review status: criteria provided, single submitter. Criteria: Ambry Variant Classification Scheme 2023. Collection method: clinical testing. Allele origin: germline.
Comment: The c.1481A>G (p.Q494R) alteration is located in exon 6 (coding exon 6) of the EP300 gene. This alteration results from a A to G substitution at nucleotide position 1481, causing the glutamine (Q) at amino acid position 494 to be replaced by an arginine (R). Based on data from gnomAD, the G allele has an overall frequency of <0.001% (1/251370) total alleles studied. The highest observed frequency was 0.001% (1/113680) of European (non-Finnish) alleles. Based on insufficient or conflicting evidence, the clinical significance of this alteration remains unclear.